The following is an entry in ClinVar:

ClinVar aggregate classification (germline): Uncertain significance (1 of 4 stars; one submission).

Conditions:
Pitt-Hopkins-like syndrome 2 (PTHSL2). Identifiers: Orphanet 221150, Orphanet 600663, MedGen C3280479, MONDO:0013690, OMIM 614325.

Submission:

Labcorp Genetics (formerly Invitae), Labcorp
Classification: Uncertain significance for Pitt-Hopkins-like syndrome 2. Last evaluated: 2023-05-04. Review status: criteria provided, single submitter. Criteria: Invitae Variant Classification Sherloc (09022015). Collection method: clinical testing. Allele origin: germline.
Comment: In summary, the available evidence is currently insufficient to determine the role of this variant in disease. Therefore, it has been classified as a Variant of Uncertain Significance. An algorithm developed to predict the effect of missense changes on protein structure and function (PolyPhen-2) suggests that this variant is likely to be disruptive. This variant has not been reported in the literature in individuals affected with NRXN1-related conditions. This variant is not present in population databases (gnomAD no frequency). This sequence change replaces isoleucine, which is neutral and non-polar, with leucine, which is neutral and non-polar, at codon 377 of the NRXN1 protein (p.Ile377Leu).

NM_001330078.2(NRXN1):c.1030A>C (p.Ile344Leu)

Gene: NRXN1 (neurexin 1; minus strand). Cytogenetic location: 2p16.3.
Variant type: single nucleotide variant.
Coding change: c.1030A>C on transcript NM_001330078.2 (MANE Select); coding-DNA position 1030, A replaced by C.
Protein change: p.Ile344Leu; replaces isoleucine 344 with leucine.
Molecular consequence: missense variant.
Genome position (GRCh38, 1-based): chr2:50,623,418, T>G on the plus strand (A>C on the coding strand, the complement: NRXN1 is on the minus strand). VCF-style: chr2-50623418-T-G. GRCh37 (hg19) VCF-style: chr2-50850556-T-G.
Other names: c.1129A>C, p.Ile377Leu (NM_001135659.3); c.1030A>C, p.Ile344Leu (NM_001330077.2, NM_001330082.2, NM_001330085.2 and 3 more transcripts); c.970A>C, p.Ile324Leu (NM_001330083.2, NM_001330084.2, NM_001330087.2 and 1 more transcripts); c.1000A>C, p.Ile334Leu (NM_001330088.2); c.1027A>C, p.Ile343Leu (NM_001330093.2); c.1018A>C, p.Ile340Leu (NM_001330094.2); short protein forms I324L, I340L, I344L, I334L, I343L, I377L.
Identifiers: ClinVar variation 2861941 (VCV002861941.3), dbSNP rs2466869407, ClinGen allele CA346822290.